The following is an entry in ClinVar:

NM_001189.4(NKX3-2):c.133G>A (p.Ala45Thr)

Gene: NKX3-2 (NK3 homeobox 2; minus strand). Cytogenetic location: 4p15.33.
Variant type: single nucleotide variant.
Coding change: c.133G>A on transcript NM_001189.4 (MANE Select); coding-DNA position 133, G replaced by A.
Protein change: p.Ala45Thr; replaces alanine 45 with threonine.
Molecular consequence: missense variant.
Genome position (GRCh38, 1-based): chr4:13,544,282, C>T on the plus strand (G>A on the coding strand, the complement: NKX3-2 is on the minus strand). VCF-style: chr4-13544282-C-T. GRCh37 (hg19) VCF-style: chr4-13545906-C-T.
Other names: short protein forms A45T.
Identifiers: ClinVar variation 1488129 (VCV001488129.4), dbSNP rs568999172, ClinGen allele CA2860480.

ClinVar aggregate classification (germline): Uncertain significance (1 of 4 stars; one submission).

Allele frequency attached by ClinVar (database versions not stated): gnomAD 0.00013 and 0.00014; 1000 Genomes Project 30x 0.00016; 1000 Genomes Project 0.00020.
gnomAD v4.1: 35 of 1,546,920 alleles (0.0023%); highest among the groups gnomAD compares: African/African-American, 0.046%; no homozygotes.

Submission:

Labcorp Genetics (formerly Invitae), Labcorp
Classification: Uncertain significance. Last evaluated: 2025-03-02. Review status: criteria provided, single submitter. Criteria: Invitae Variant Classification Sherloc (09022015). Collection method: clinical testing. Allele origin: germline.
Comment: This sequence change replaces alanine, which is neutral and non-polar, with threonine, which is neutral and polar, at codon 45 of the NKX3-2 protein (p.Ala45Thr). This variant is present in population databases (rs568999172, gnomAD 0.07%). This variant has not been reported in the literature in individuals affected with NKX3-2-related conditions. ClinVar contains an entry for this variant (Variation ID: 1488129). An algorithm developed to predict the effect of missense changes on protein structure and function (PolyPhen-2) suggests that this variant is likely to be tolerated. In summary, the available evidence is currently insufficient to determine the role of this variant in disease. Therefore, it has been classified as a Variant of Uncertain Significance.